The following is an entry in ClinVar:

ClinVar aggregate classification (germline): Likely benign. Review status: criteria provided, multiple submitters, no conflicts (2 of 4 stars). 5 submissions from 5 submitters: Likely benign (5). Last evaluated 2026-01-12.

Conditions:
Inborn genetic diseases. Identifiers: MedGen C0950123, MeSH D030342.
Charcot-Marie-Tooth disease axonal type 2P. Also called: CHARCOT-MARIE-TOOTH NEUROPATHY, TYPE 2P; Charcot-Marie-Tooth Neuropathy Type 2G; CHARCOT-MARIE-TOOTH DISEASE, AXONAL, TYPE 2G; CMT 2G. Identifiers: Orphanet 300319, Orphanet 99941, MedGen C3280797, MONDO:0013753, OMIM 614436.

Allele frequency attached by ClinVar (database versions not stated): gnomAD exomes 0.00013 and 0.00021; gnomAD 0.00019 and 0.00020; TOPMed 0.00020; ExAC 0.00021; 1000 Genomes Project 30x 0.00031; 1000 Genomes Project 0.00040.

Submissions (5):

Women's Health and Genetics/Laboratory Corporation of America, LabCorp
Classification: Likely benign. Last evaluated: 2026-01-12. Review status: criteria provided, single submitter. Criteria: LabCorp Variant Classification Summary - May 2015. Collection method: clinical testing. Allele origin: germline.

Labcorp Genetics (formerly Invitae), Labcorp
Classification: Likely benign for Charcot-Marie-Tooth disease axonal type 2P. Last evaluated: 2025-11-03. Review status: criteria provided, single submitter. Criteria: Invitae Variant Classification Sherloc (09022015). Collection method: clinical testing. Allele origin: germline.

Blueprint Genetics
Classification: Likely benign. Last evaluated: 2024-09-20. Review status: criteria provided, single submitter. Criteria: ACMG Guidelines, 2015. Collection method: clinical testing. Allele origin: germline.

Ambry Genetics
Classification: Likely benign for Inborn genetic diseases. Last evaluated: 2019-07-11. Review status: criteria provided, single submitter. Criteria: Ambry Variant Classification Scheme 2023. Collection method: clinical testing. Allele origin: germline.

GeneDx
Classification: Likely benign. Last evaluated: 2016-07-18. Review status: criteria provided, single submitter. Criteria: GeneDx Variant Classification (06012015). Collection method: clinical testing. Allele origin: germline. Affected: yes.
Comment: This variant is considered likely benign or benign based on one or more of the following criteria: it is a conservative change, it occurs at a poorly conserved position in the protein, it is predicted to be benign by multiple in silico algorithms, and/or has population frequency not consistent with disease.

NM_001005373.4(LRSAM1):c.570G>A (p.Arg190=)

Gene: LRSAM1 (leucine rich repeat and sterile alpha motif containing 1; plus strand). Cytogenetic location: 9q33.3.
Variant type: single nucleotide variant.
Coding change: c.570G>A on transcript NM_001005373.4 (MANE Select); coding-DNA position 570, G replaced by A.
Protein change: p.Arg190=; no amino-acid change (arginine 190 retained).
Molecular consequence: synonymous variant. On other transcripts: 5 prime UTR variant (1), non-coding transcript variant (2).
Genome position (GRCh38, 1-based): chr9:127,467,781, G>A. VCF-style: chr9-127467781-G-A. GRCh37 (hg19) VCF-style: chr9-130230060-G-A.
Other names: c.570G>A (NM_138361.4); c.570G>A, p.Arg190= (NM_001005374.4, NM_001190723.3, NM_001384142.1 and 2 more transcripts); c.-215G>A (NM_001384144.1).
Identifiers: ClinVar variation 387795 (VCV000387795.16), dbSNP rs545814024, ClinGen allele CA5246603.
Genomic context (GRCh38, chr9:127,467,781, plus strand): 5'-GTTACCCTTGTGTCTGCAGATGCTGAGCCTTGACGCCTCGGCCATGGTCTACCCGCCGCG[G>A]GAGGTGTGTGGTGCCGGCACTGCGGCCATCTTGCAGTTCCTCTGCAAAGGTAAAGCCAGG-3'
Protein context (NP_001005373.1, residues 180-200): LDASAMVYPP[Arg190=]EVCGAGTAAI